The following is an entry in ClinVar:

ClinVar aggregate classification (germline): Uncertain significance. Review status: criteria provided, multiple submitters, no conflicts (2 of 4 stars). 4 submissions from 4 submitters: Uncertain significance (4). Last evaluated 2022-12-14.

Conditions:
Peroxisome biogenesis disorder 2A (Zellweger) (PBD2A). Also called: Cerebrohepatorenal syndrome, variant types. Identifiers: Orphanet 912, MedGen C3550273, MONDO:0008954, OMIM 214110.
Peroxisome biogenesis disorder 2B (PBD2B). Identifiers: Orphanet 44, MedGen C3550234, MONDO:0008736, OMIM 202370.
PEX5-related disorder. Also called: PEX5-Related Disorders; PEX5-related condition.

Allele frequency attached by ClinVar (database versions not stated): ExAC 0.00005; gnomAD 0.00005 and 0.00006; gnomAD exomes 0.00006 and 0.00010; ESP Exome Variant Server 0.00008; TOPMed 0.00008.
gnomAD v4.1: 152 of 1,613,738 alleles (0.0094%); highest among the groups gnomAD compares: Non-Finnish European, 0.013%; no homozygotes.

Submissions (4):

PreventionGenetics, part of Exact Sciences
Classification: Uncertain significance for PEX5-related condition. Last evaluated: 2022-12-14. Review status: criteria provided, single submitter. Criteria: ACMG Guidelines, 2015. Collection method: clinical testing. Allele origin: germline.
Comment: The PEX5 c.421T>G variant is predicted to result in the amino acid substitution p.Ser141Ala. To our knowledge, this variant has not been reported in the literature. This variant is reported in 0.013% of alleles in individuals of European (Non-Finnish) descent in gnomAD. At this time, the clinical significance of this variant is uncertain due to the absence of conclusive functional and genetic evidence.

Labcorp Genetics (formerly Invitae), Labcorp
Classification: Uncertain significance for Peroxisome biogenesis disorder 2B. Last evaluated: 2022-10-17. Review status: criteria provided, single submitter. Criteria: Invitae Variant Classification Sherloc (09022015). Collection method: clinical testing. Allele origin: germline.
Comment: This sequence change replaces serine, which is neutral and polar, with alanine, which is neutral and non-polar, at codon 141 of the PEX5 protein (p.Ser141Ala). This variant is present in population databases (rs200475014, gnomAD 0.01%). This variant has not been reported in the literature in individuals affected with PEX5-related conditions. ClinVar contains an entry for this variant (Variation ID: 499350). Advanced modeling of protein sequence and biophysical properties (such as structural, functional, and spatial information, amino acid conservation, physicochemical variation, residue mobility, and thermodynamic stability) performed at Invitae indicates that this missense variant is not expected to disrupt PEX5 protein function. Experimental studies have shown that this missense change affects PEX5 function (PMID: 26344566). In summary, the available evidence is currently insufficient to determine the role of this variant in disease. Therefore, it has been classified as a Variant of Uncertain Significance.

Eurofins Ntd Llc (ga)
Classification: Uncertain significance. Last evaluated: 2017-10-03. Review status: criteria provided, single submitter. Criteria: EGL Classification Definitions 2015. Collection method: clinical testing. Allele origin: germline. Observed: 2 variant alleles, 2 heterozygotes.

Illumina Laboratory Services, Illumina
Classification: Uncertain significance for Peroxisome biogenesis disorder 2A (Zellweger). Last evaluated: 2017-04-28. Review status: criteria provided, single submitter. Criteria: ICSL Variant Classification Criteria 13 December 2019. Collection method: clinical testing. Allele origin: germline.
Comment: This variant was observed as part of a predisposition screen in an ostensibly healthy population. A literature search was performed for the gene, cDNA change, and amino acid change (where applicable). Publications were found based on this search. However, the evidence from the literature, in combination with allele frequency data from public databases where available, was not sufficient to rule this variant in or out of causing disease. Therefore, this variant is classified as a variant of unknown significance.

Literature cited by the submitters: PubMed 26344566 (cited by Labcorp Genetics (formerly Invitae), Labcorp and Illumina Laboratory Services, Illumina).

NM_001351132.2(PEX5):c.421T>G (p.Ser141Ala)

Gene: PEX5 (peroxisomal biogenesis factor 5; plus strand). Cytogenetic location: 12p13.31.
Variant type: single nucleotide variant.
Coding change: c.421T>G on transcript NM_001351132.2 (MANE Select); coding-DNA position 421, T replaced by G.
Protein change: p.Ser141Ala; replaces serine 141 with alanine.
Molecular consequence: missense variant.
Genome position (GRCh38, 1-based): chr12:7,191,673, T>G. VCF-style: chr12-7191673-T-G. GRCh37 (hg19) VCF-style: chr12-7344269-T-G.
Other names: c.421T>G, p.Ser141Ala (NM_000319.5, NM_001131024.2, NM_001131025.2 and 19 more transcripts); c.466T>G, p.Ser156Ala (NM_001131023.2, NM_001351135.3, NM_001351138.2); short protein forms S141A, S156A.
Identifiers: ClinVar variation 499350 (VCV000499350.12), dbSNP rs200475014, ClinGen allele CA6426128.
Genomic context (GRCh38, chr12:7,191,673, plus strand): 5'-GAGTTTCTTGCAGCTGGAGATGCTGTGGATGTAACTCAGGATTATAATGAGACTGACTGG[T>G]CCCAAGAATTCATCTCTGAAGTTACAGGTGAAACTTGTTATGGGAAAATCTATATTGGCT-3'
Protein context (NP_001338061.1, residues 131-151): VTQDYNETDW[Ser141Ala]QEFISEVTDP